The following is an entry in ClinVar:

NC_012920.1(MT-TK):m.8338A>G

Gene: MT-TK (mitochondrially encoded tRNA lysine; plus strand).
Variant type: single nucleotide variant.
Genome position: chrM-8338-A-G.
Identifiers: ClinVar variation 690073 (VCV000690073.1), dbSNP rs1603221407, ClinGen allele CA913179018.

ClinVar aggregate classification (germline): Likely benign (1 of 4 stars; one submission).

Conditions:
MELAS syndrome (MELAS). Also called: Juvenile myopathy, encephalopathy, lactic acidosis, stroke. Identifiers: Orphanet 550, MedGen C0162671, MONDO:0010789, OMIM 540000.

Submission:

Wong Mito Lab, Molecular and Human Genetics, Baylor College of Medicine
Classification: Likely benign for MELAS syndrome. Last evaluated: 2019-07-12. Review status: criteria provided, single submitter. Criteria: Modified ACMG Guidelines (Unpublished). Collection method: clinical testing. Allele origin: germline.
Comment: The NC_012920.1:m.8338A>G variant in MT-TK gene is interpreted to be a Likely Benign variant based on the modified ACMG guidelines (unpublished). This variant meets the following evidence codes reported in the guidelines: BS1, BP6

Literature cited by the submitters: PubMed 31965079.